The following is an entry in ClinVar:

ClinVar aggregate classification (germline): Uncertain significance. Review status: criteria provided, multiple submitters, no conflicts (2 of 4 stars). 2 submissions from 2 submitters: Uncertain significance (2). Last evaluated 2023-03-26.

Conditions:
Hereditary cancer-predisposing syndrome. Also called: Hereditary neoplastic syndrome; Tumor predisposition; Neoplastic Syndromes, Hereditary; Hereditary Cancer Syndrome. Identifiers: Orphanet 140162, MedGen C0027672, MeSH D009386, MONDO:0015356.

gnomAD v4.1: 1 of 1,613,238 alleles (0.000062%); highest among the groups gnomAD compares: Non-Finnish European, 0.000085%; no homozygotes.

Submissions (2):

Ambry Genetics
Classification: Uncertain significance for Hereditary cancer-predisposing syndrome. Last evaluated: 2023-03-26. Review status: criteria provided, single submitter. Criteria: Ambry Variant Classification Scheme 2023. Collection method: clinical testing. Allele origin: germline.
Comment: The p.S373R variant (also known as c.1117A>C), located in coding exon 10 of the PMS2 gene, results from an A to C substitution at nucleotide position 1117. The serine at codon 373 is replaced by arginine, an amino acid with dissimilar properties. This amino acid position is conserved. In addition, the in silico prediction for this alteration is inconclusive. Since supporting evidence is limited at this time, the clinical significance of this alteration remains unclear.

GeneDx
Classification: Uncertain significance. Last evaluated: 2015-08-20. Review status: criteria provided, single submitter. Criteria: GeneDx Variant Classification (06012015). Collection method: clinical testing. Allele origin: germline. Affected: yes.
Comment: This variant is denoted PMS2 c.1117A>C at the cDNA level, p.Ser373Arg (S373R) at the protein level, and results in the change of a Serine to an Arginine (AGT>CGT). This variant has not, to our knowledge, been published in the literature as pathogenic or benign. PMS2 Ser373Arg was not observed in approximately 6,500 individuals of European and African American ancestry in the NHLBI Exome Sequencing Project, indicating it is not a common benign variant in these populations. Since Serine and Arginine differ in some properties, this is considered a semi-conservative amino acid substitution. PMS2 Ser373Arg occurs at a position where amino acids with properties similar to Serine are tolerated across species and is not located in a known functional domain (Fukui 2011). In silico analyses predict that this variant is unlikely to alter protein structure or function. Based on currently available information, it is unclear whether PMS2 Ser373Arg is pathogenic or benign. We consider it to be a variant of uncertain significance.

NM_000535.7(PMS2):c.1117A>C (p.Ser373Arg)

Gene: PMS2 (PMS1 homolog 2, mismatch repair system component; minus strand). Cytogenetic location: 7p22.1.
Variant type: single nucleotide variant.
Coding change: c.1117A>C on transcript NM_000535.7 (MANE Select); coding-DNA position 1117, A replaced by C.
Protein change: p.Ser373Arg; replaces serine 373 with arginine.
Molecular consequence: missense variant. On other transcripts: non-coding transcript variant (1), intron variant (2).
Genome position (GRCh38, 1-based): chr7:5,989,827, T>G on the plus strand (A>C on the coding strand, the complement: PMS2 is on the minus strand). VCF-style: chr7-5989827-T-G. GRCh37 (hg19) VCF-style: chr7-6029458-T-G.
Other names: c.712A>C, p.Ser238Arg (NM_001322003.2, NM_001322004.2, NM_001322005.2 and 1 more transcripts); c.799A>C, p.Ser267Arg (NM_001322007.2, NM_001322008.2); c.184A>C, p.Ser62Arg (NM_001322011.2, NM_001322012.2); c.544A>C, p.Ser182Arg (NM_001322013.2); c.1117A>C, p.Ser373Arg (NM_001322014.2); c.808A>C, p.Ser270Arg (NM_001322015.2); c.583+2146A>C (NM_001322010.2); c.988+2146A>C (NM_001322006.2); short protein forms S373R, S62R, S182R, S267R, S238R, S270R.
Identifiers: ClinVar variation 419694 (VCV000419694.4), dbSNP rs1060503125, ClinGen allele CA16618517.